The following is an entry in ClinVar:

NM_182914.3(SYNE2):c.17035G>T (p.Asp5679Tyr)

Gene: SYNE2 (spectrin repeat containing nuclear envelope protein 2; plus strand). Cytogenetic location: 14q23.2.
Variant type: single nucleotide variant.
Coding change: c.17035G>T on transcript NM_182914.3 (MANE Select); coding-DNA position 17035, G replaced by T.
Protein change: p.Asp5679Tyr; replaces aspartic acid 5679 with tyrosine.
Molecular consequence: missense variant.
Genome position (GRCh38, 1-based): chr14:64,170,262, G>T. VCF-style: chr14-64170262-G-T. GRCh37 (hg19) VCF-style: chr14-64636980-G-T.
Other names: c.17035G>T, p.Asp5679Tyr (NM_015180.6); short protein forms D5679Y.
Identifiers: ClinVar variation 4885805 (VCV004885805.2).
Genomic context (GRCh38, chr14:64,170,262, plus strand): 5'-TTCTATAACCATTTGTTTTTCCCCAGACCAGAATTTATTACAGAATTCTCAAAGCTGACG[G>T]ATCGGTGGCAGAATGCTGTCCAGGGTGTTCGGCAGAGGAAGGGTGACGTTGATGGGCTGG-3'
Protein context (NP_878918.2, residues 5669-5689): EFITEFSKLT[Asp5679Tyr]RWQNAVQGVR

ClinVar aggregate classification (germline): Uncertain significance (1 of 4 stars; one submission).

Submission:

Dasa
Classification: Uncertain significance. Last evaluated: 2024-10-28. Review status: criteria provided, single submitter. Criteria: DASA Assertion Criteria. Collection method: clinical testing. Allele origin: germline.
Comment: NM_182914.3(SYNE2):c.17035G>T (p.Asp5679Tyr) is a missense variant that results in the substitution of aspartic acid with tyrosine. This variant is absent from population databases. Computational prediction algorithms are consistent with a benign effect. The currently available literature and clinical evidence are not sufficient to establish a definitive association between this variant and the reported condition. Therefore, this variant is classified as a variant of uncertain significance.